The following is an entry in ClinVar:

NM_002047.4(GARS1):c.1468-285T>C

Gene: GARS1 (glycyl-tRNA synthetase 1; plus strand). Cytogenetic location: 7p14.3.
Variant type: single nucleotide variant.
Coding change: c.1468-285T>C on transcript NM_002047.4 (MANE Select); 285 bases into the intron before coding-DNA position 1468, T replaced by C.
Molecular consequence: intron variant.
Genome position (GRCh38, 1-based): chr7:30,622,032, T>C. VCF-style: chr7-30622032-T-C. GRCh37 (hg19) VCF-style: chr7-30661648-T-C.
Other names: c.1306-285T>C (NM_001316772.1).
Identifiers: ClinVar variation 683991 (VCV000683991.1), dbSNP rs2527880, ClinGen allele CA156055092.
Genomic context (GRCh38, chr7:30,622,032, plus strand): 5'-TCTTAGGGGTAGGTCAGTGACAGGAAATAGATCTTGTTTTGAGCATTTTAGAAATACTTA[T>C]CAGAAGTTCTTATGCTATGGGTTGGGTCATTGCTGATTAGATAATATCTCTTTTTTCTCA-3'

ClinVar aggregate classification (germline): Benign (1 of 4 stars; one submission).

Allele frequency attached by ClinVar (database versions not stated): gnomAD 0.09612 and 0.10093; TOPMed 0.10385; gnomAD exomes 0.10827; 1000 Genomes Project 0.14038; 1000 Genomes Project 30x 0.14163.
gnomAD v4.1: 46,745 of 442,134 alleles (11%); highest among the groups gnomAD compares: South Asian, 19%; 3,011 homozygotes.

Submission:

GeneDx
Classification: Benign. Last evaluated: 2018-06-19. Review status: criteria provided, single submitter. Criteria: GeneDx Variant Classification (06012015). Collection method: clinical testing. Allele origin: germline. Affected: yes.
Comment: This variant is considered likely benign or benign based on one or more of the following criteria: it is a conservative change, it occurs at a poorly conserved position in the protein, it is predicted to be benign by multiple in silico algorithms, and/or has population frequency not consistent with disease.